The following is an entry in ClinVar:

NM_006567.5(FARS2):c.593G>T (p.Arg198Leu)

Genes: FARS2 (phenylalanyl-tRNA synthetase 2, mitochondrial; plus strand), LOC126859565 (CDK7 strongly-dependent group 2 enhancer GRCh37_chr6:5368745-5369944; plus strand). Cytogenetic location: 6p25.1.
Variant type: single nucleotide variant.
Coding change: c.593G>T on transcript NM_006567.5 (MANE Select); coding-DNA position 593, G replaced by T.
Protein change: p.Arg198Leu; replaces arginine 198 with leucine.
Molecular consequence: missense variant. On other transcripts: intron variant (2).
Genome position (GRCh38, 1-based): chr6:5,369,163, G>T. VCF-style: chr6-5369163-G-T. GRCh37 (hg19) VCF-style: chr6-5369396-G-T.
Other names: c.593G>T, p.Arg198Leu (NM_001318872.2, NM_001374875.1, NM_001374876.1 and 5 more transcripts); c.-340-27470G>T (NM_001375260.1); c.-84-35379G>T (NM_001375259.1); short protein forms R198L.
Identifiers: ClinVar variation 2674635 (VCV002674635.3), dbSNP rs750702672, ClinGen allele CA3623682.

ClinVar aggregate classification (germline): Uncertain significance. Review status: criteria provided, single submitter (1 of 4 stars). 2 submissions from 2 submitters: Uncertain significance (1). 1 of the submissions does not count toward it. Last evaluated 2025-01-17.

Conditions:
Combined oxidative phosphorylation defect type 14. Also called: Combined oxidative phosphorylation deficiency 14. Identifiers: Orphanet 319519, MedGen C4755312, MONDO:0013986, OMIM 614946.

gnomAD v4.1: 3 of 1,607,954 alleles (0.00019%); highest among the groups gnomAD compares: South Asian, 0.0011%; no homozygotes.

Submissions (2):

Labcorp Genetics (formerly Invitae), Labcorp
Classification: Uncertain significance for Combined oxidative phosphorylation defect type 14. Last evaluated: 2025-01-17. Review status: criteria provided, single submitter. Criteria: Invitae Variant Classification Sherloc (09022015). Collection method: clinical testing. Allele origin: germline.
Comment: This sequence change replaces arginine, which is basic and polar, with leucine, which is neutral and non-polar, at codon 198 of the FARS2 protein (p.Arg198Leu). This variant is present in population databases (rs750702672, gnomAD 0.003%). This missense change has been observed in individual(s) with epileptic encephalopathy (PMID: 37523899). In at least one individual the data is consistent with being in trans (on the opposite chromosome) from a pathogenic variant. ClinVar contains an entry for this variant (Variation ID: 2674635). Invitae Evidence Modeling of protein sequence and biophysical properties (such as structural, functional, and spatial information, amino acid conservation, physicochemical variation, residue mobility, and thermodynamic stability) has been performed for this missense variant. However, the output from this modeling did not meet the statistical confidence thresholds required to predict the impact of this variant on FARS2 protein function. Experimental studies have shown that this missense change affects FARS2 function (PMID: 37523899). In summary, the available evidence is currently insufficient to determine the role of this variant in disease. Therefore, it has been classified as a Variant of Uncertain Significance.

OMIM
Classification: Pathogenic for COMBINED OXIDATIVE PHOSPHORYLATION DEFICIENCY 14. Last evaluated: 2023-12-21. Review status: no assertion criteria provided. Collection method: literature only. Allele origin: germline. Not counted in ClinVar's aggregate classification.

Literature cited by the submitters: PubMed 37523899 (cited by Labcorp Genetics (formerly Invitae), Labcorp and OMIM).